The following is an entry in ClinVar:

NM_005055.5(RAPSN):c.1126C>T (p.Arg376Trp)

Gene: RAPSN (receptor associated protein of the synapse; minus strand). Cytogenetic location: 11p11.2.
Variant type: single nucleotide variant.
Coding change: c.1126C>T on transcript NM_005055.5 (MANE Select); coding-DNA position 1126, C replaced by T.
Protein change: p.Arg376Trp; replaces arginine 376 with tryptophan.
Molecular consequence: missense variant.
Genome position (GRCh38, 1-based): chr11:47,438,772, G>A on the plus strand (C>T on the coding strand, the complement: RAPSN is on the minus strand). VCF-style: chr11-47438772-G-A. GRCh37 (hg19) VCF-style: chr11-47460323-G-A.
Other names: c.949C>T, p.Arg317Trp (NM_032645.5); short protein forms R376W, R317W.
Identifiers: ClinVar variation 542735 (VCV000542735.9), dbSNP rs145507075, ClinGen allele CA5976493.
Genomic context (GRCh38, chr11:47,438,772, plus strand): 5'-ACCCCCCCAGGAGCCCCCACCTGAGGTGGAAGATGTGGGAGCAAGGTAGGGCCTGCAGCC[G>A]GCTGTTCTTCTCGCCTATGGACTCGCCGCACAGGCCGCAGTAGAGCTCCGTCTCCTCCAC-3'
Protein context (NP_005046.2, residues 366-386): CGESIGEKNS[Arg376Trp]LQALPCSHIF

ClinVar aggregate classification (germline): Uncertain significance. Review status: criteria provided, multiple submitters, no conflicts (2 of 4 stars). 4 submissions from 4 submitters: Uncertain significance (3). 1 of the submissions does not count toward it. Last evaluated 2025-08-25.

Conditions:
Inborn genetic diseases. Identifiers: MedGen C0950123, MeSH D030342.
Fetal akinesia deformation sequence 1 (FADS1). Also called: Pena-Shokeir syndrome type I; Fetal akinesia sequence. Identifiers: Orphanet 994, MedGen C1276035, MONDO:0100101, OMIM 208150, HP:0001989.
Congenital myasthenic syndrome 11. Also called: MYASTHENIC SYNDROME, CONGENITAL, Ie; Myasthenic syndrome, congenital, 11, associated with acetylcholine receptor deficiency. Identifiers: Orphanet 590, MedGen C4225367, MONDO:0014588, OMIM 616326.
Congenital myasthenic syndrome (CMS). Also called: Congenital Myasthenic Syndromes. Identifiers: Orphanet 590, MedGen C0751882, MeSH D020294, MONDO:0018940.

Allele frequency attached by ClinVar (database versions not stated): gnomAD 0.00004 and 0.00005; TOPMed 0.00005; gnomAD exomes 0.00006; ExAC 0.00014; 1000 Genomes Project 0.00020; 1000 Genomes Project 30x 0.00031.
gnomAD v4.1: 79 of 1,565,436 alleles (0.005%); highest among the groups gnomAD compares: Non-Finnish European, 0.0063%; no homozygotes.

Submissions (4):

Ambry Genetics
Classification: Uncertain significance for Inborn genetic diseases. Last evaluated: 2025-08-25. Review status: criteria provided, single submitter. Criteria: Ambry Variant Classification Scheme 2023. Collection method: clinical testing. Allele origin: germline.

Revvity Omics, Revvity
Classification: Uncertain significance. Last evaluated: 2025-04-15. Review status: criteria provided, single submitter. Criteria: ACMG Guidelines, 2015. Collection method: clinical testing. Allele origin: germline.

Labcorp Genetics (formerly Invitae), Labcorp
Classification: Uncertain significance for Congenital myasthenic syndrome 11; Fetal akinesia deformation sequence 1. Last evaluated: 2024-10-29. Review status: criteria provided, single submitter. Criteria: Invitae Variant Classification Sherloc (09022015). Collection method: clinical testing. Allele origin: germline.
Comment: This sequence change replaces arginine, which is basic and polar, with tryptophan, which is neutral and slightly polar, at codon 376 of the RAPSN protein (p.Arg376Trp). This variant is present in population databases (rs145507075, gnomAD 0.01%). This variant has not been reported in the literature in individuals affected with RAPSN-related conditions. ClinVar contains an entry for this variant (Variation ID: 542735). Invitae Evidence Modeling of protein sequence and biophysical properties (such as structural, functional, and spatial information, amino acid conservation, physicochemical variation, residue mobility, and thermodynamic stability) indicates that this missense variant is not expected to disrupt RAPSN protein function with a negative predictive value of 95%. In summary, the available evidence is currently insufficient to determine the role of this variant in disease. Therefore, it has been classified as a Variant of Uncertain Significance.

Natera, Inc.
Classification: Uncertain significance for Congenital myasthenic syndrome. Last evaluated: 2019-11-11. Review status: no assertion criteria provided. Collection method: clinical testing. Allele origin: germline. Not counted in ClinVar's aggregate classification.